The following is an entry in ClinVar:

NM_000238.4(KCNH2):c.1864C>T (p.Leu622Phe)

Gene: KCNH2 (potassium voltage-gated channel subfamily H member 2; minus strand). Cytogenetic location: 7q36.1.
Variant type: single nucleotide variant.
Coding change: c.1864C>T on transcript NM_000238.4 (MANE Select); coding-DNA position 1864, C replaced by T.
Protein change: p.Leu622Phe; replaces leucine 622 with phenylalanine.
Molecular consequence: missense variant.
Genome position (GRCh38, 1-based): chr7:150,951,529, G>A on the plus strand (C>T on the coding strand, the complement: KCNH2 is on the minus strand). VCF-style: chr7-150951529-G-A. GRCh37 (hg19) VCF-style: chr7-150648617-G-A.
Other names: c.1864C>T (LRG_288t1); c.844C>T, p.Leu282Phe (NM_001204798.2, NM_172057.3); c.1576C>T, p.Leu526Phe (NM_001406753.1, NM_001406756.1); c.1687C>T, p.Leu563Phe (NM_001406755.1); c.1564C>T, p.Leu522Phe (NM_001406757.1); c.1864C>T, p.Leu622Phe (NM_172056.3); short protein forms L282F, L622F, L522F, L526F, L563F.
Identifiers: ClinVar variation 67301 (VCV000067301.7), dbSNP rs199473525, ClinGen allele CA005720.

ClinVar aggregate classification (germline): Uncertain significance. Review status: criteria provided, single submitter (1 of 4 stars). 2 submissions from 2 submitters: Uncertain significance (1). 1 of the submissions does not count toward it. Last evaluated 2017-03-12.

Conditions:
Familial long QT syndrome (RWS). Also called: Congenital long QT syndrome; Romano-Ward syndrome; VENTRICULAR FIBRILLATION WITH PROLONGED QT INTERVAL. Identifiers: Orphanet 768, MedGen C1141890, MONDO:0019171.
Long QT syndrome (LQTS). Identifiers: MedGen C0023976, MeSH D008133, MONDO:0002442. Disease mechanism: loss of function. Inheritance: Various modes of inheritance.

Allele frequency attached by ClinVar (database versions not stated): gnomAD exomes below 0.00001.
gnomAD v4.1: 1 of 1,614,136 alleles (0.000062%); highest among the groups gnomAD compares: Non-Finnish European, 0.000085%; no homozygotes.

Submissions (2):

Labcorp Genetics (formerly Invitae), Labcorp
Classification: Uncertain significance for Long QT syndrome. Last evaluated: 2017-03-12. Review status: criteria provided, single submitter. Criteria: Invitae Variant Classification Sherloc (09022015). Collection method: clinical testing. Allele origin: germline.
Comment: This variant identified in the KCNH2 gene is located in the pore region of the resulting protein (PMID: 19841300, 25348405). This variant is not present in population databases (rs199473525, ExAC no frequency). This sequence change replaces leucine with phenylalanine at codon 622 of the KCNH2 protein (p.Leu622Phe). The leucine residue is highly conserved and there is a small physicochemical difference between leucine and phenylalanine. In summary, this variant is a rare missense change with uncertain impact on protein function. While it is absent from the population and reported in affected individuals, the available evidence is currently insufficient to determine its role in disease. Therefore, it has been classified as a Variant of Uncertain Significance. Experimental studies have shown that this missense change alters the expression or potassium selectivity of in vitro expressed KCNH2, though the clinical significance of this observation is uncertain (PMID: 23471968). This variant has been reported in an individual affected with long QT syndrome (PMID: 26669661) and in an individual with a clinical suspicion of long QT syndrome (PMID: 15840476). ClinVar contains an entry for this variant (Variation ID: 67301).

Cardiovascular Biomedical Research Unit, Royal Brompton & Harefield NHS Foundation Trust
No classification provided. Condition: Familial long QT syndrome. Review status: no classification provided. Collection method: literature only. Allele origin: germline. Not counted in ClinVar's aggregate classification.
Comment: This variant has been reported as associated with Long QT syndrome in the following publications (PMID:15840476). This is a literature report, and does not necessarily reflect the clinical interpretation of the Imperial College / Royal Brompton Cardiovascular Genetics laboratory.

Literature cited by the submitters: PubMed 19841300 (cited by Labcorp Genetics (formerly Invitae), Labcorp); PubMed 25348405 (cited by Labcorp Genetics (formerly Invitae), Labcorp); PubMed 23471968 (cited by Labcorp Genetics (formerly Invitae), Labcorp); PubMed 26669661 (cited by Labcorp Genetics (formerly Invitae), Labcorp); PubMed 15840476 (cited by Labcorp Genetics (formerly Invitae), Labcorp and Cardiovascular Biomedical Research Unit, Royal Brompton & Harefield NHS Foundation Trust); PubMed 22581653 (cited by Cardiovascular Biomedical Research Unit, Royal Brompton & Harefield NHS Foundation Trust).